The following is an entry in ClinVar:

ClinVar aggregate classification (germline): Benign/Likely benign. Review status: criteria provided, multiple submitters, no conflicts (2 of 4 stars). 2 submissions from 2 submitters: Benign (1); Likely benign (1). Last evaluated 2026-01-26.

Allele frequency attached by ClinVar (database versions not stated): gnomAD 0.00011 and 0.00045; ESP Exome Variant Server 0.00023; TOPMed 0.00023; gnomAD exomes 0.00069 and 0.00118; ExAC 0.00160; 1000 Genomes Project 30x 0.00265; 1000 Genomes Project 0.00319.
gnomAD v4.1: 1,075 of 1,611,510 alleles (0.067%); highest among the groups gnomAD compares: South Asian, 0.89%; 13 homozygotes.

Submissions (2):

Labcorp Genetics (formerly Invitae), Labcorp
Classification: Benign. Last evaluated: 2026-01-26. Review status: criteria provided, single submitter. Criteria: Invitae Variant Classification Sherloc (09022015). Collection method: clinical testing. Allele origin: germline.

CeGaT Center for Human Genetics Tuebingen
Classification: Likely benign. Last evaluated: 2024-09-01. Review status: criteria provided, single submitter. Criteria: CeGaT Center For Human Genetics Tuebingen Variant Classification Criteria Version 2. Collection method: clinical testing. Allele origin: germline. Affected: yes. Observed: 2 variant alleles.
Comment: INPPL1: BS2

NM_001567.4(INPPL1):c.3491G>A (p.Arg1164Gln)

Gene: INPPL1 (inositol polyphosphate phosphatase like 1; plus strand). Cytogenetic location: 11q13.4.
Variant type: single nucleotide variant.
Coding change: c.3491G>A on transcript NM_001567.4 (MANE Select); coding-DNA position 3491, G replaced by A.
Protein change: p.Arg1164Gln; replaces arginine 1164 with glutamine.
Molecular consequence: missense variant.
Genome position (GRCh38, 1-based): chr11:72,237,735, G>A. VCF-style: chr11-72237735-G-A. GRCh37 (hg19) VCF-style: chr11-71948779-G-A.
Other names: short protein forms R1164Q.
Identifiers: ClinVar variation 1591281 (VCV001591281.32), dbSNP rs200679872, ClinGen allele CA6170656.